The following is an entry in ClinVar:

ClinVar aggregate classification (germline): Uncertain significance. Review status: criteria provided, multiple submitters, no conflicts (2 of 4 stars). 2 submissions from 2 submitters: Uncertain significance (2). Last evaluated 2024-10-07.

Conditions:
Pheochromocytoma/paraganglioma syndrome 5. Also called: Paragangliomas 5; SDHA-Related Hereditary Paraganglioma-Pheochromocytoma Syndrome. Identifiers: Orphanet 29072, MedGen C3279992, MONDO:0013602, OMIM 614165.
Mitochondrial complex II deficiency, nuclear type 1. Also called: SUCCINATE CoQ REDUCTASE DEFICIENCY. Identifiers: Orphanet 3208, MedGen C5700310, MONDO:0100294, OMIM 252011.
Hereditary cancer-predisposing syndrome. Also called: Tumor predisposition; Neoplastic Syndromes, Hereditary; Hereditary Cancer Syndrome; Hereditary neoplastic syndrome. Identifiers: Orphanet 140162, MedGen C0027672, MeSH D009386, MONDO:0015356.

Submissions (2):

Labcorp Genetics (formerly Invitae), Labcorp
Classification: Uncertain significance for Pheochromocytoma/paraganglioma syndrome 5; Mitochondrial complex II deficiency, nuclear type 1. Last evaluated: 2024-10-07. Review status: criteria provided, single submitter. Criteria: Invitae Variant Classification Sherloc (09022015). Collection method: clinical testing. Allele origin: germline.
Comment: This sequence change replaces histidine, which is basic and polar, with asparagine, which is neutral and polar, at codon 592 of the SDHA protein (p.His592Asn). This variant is not present in population databases (gnomAD no frequency). This variant has not been reported in the literature in individuals affected with SDHA-related conditions. ClinVar contains an entry for this variant (Variation ID: 647219). Invitae Evidence Modeling of protein sequence and biophysical properties (such as structural, functional, and spatial information, amino acid conservation, physicochemical variation, residue mobility, and thermodynamic stability) has been performed for this missense variant. However, the output from this modeling did not meet the statistical confidence thresholds required to predict the impact of this variant on SDHA protein function. In summary, the available evidence is currently insufficient to determine the role of this variant in disease. Therefore, it has been classified as a Variant of Uncertain Significance.

Ambry Genetics
Classification: Uncertain significance for Hereditary cancer-predisposing syndrome. Last evaluated: 2023-09-08. Review status: criteria provided, single submitter. Criteria: Ambry Variant Classification Scheme 2023. Collection method: clinical testing. Allele origin: germline.
Comment: The p.H592N variant (also known as c.1774C>A), located in coding exon 13 of the SDHA gene, results from a C to A substitution at nucleotide position 1774. The histidine at codon 592 is replaced by asparagine, an amino acid with similar properties. This amino acid position is highly conserved in available vertebrate species. In addition, this alteration is predicted to be deleterious by in silico analysis. Since supporting evidence is limited at this time, the clinical significance of this alteration remains unclear.

NM_004168.4(SDHA):c.1774C>A (p.His592Asn)

Gene: SDHA (succinate dehydrogenase complex flavoprotein subunit A; plus strand). Cytogenetic location: 5p15.33.
Variant type: single nucleotide variant.
Coding change: c.1774C>A on transcript NM_004168.4 (MANE Select); coding-DNA position 1774, C replaced by A.
Protein change: p.His592Asn; replaces histidine 592 with asparagine.
Molecular consequence: missense variant. On other transcripts: intron variant (1).
Genome position (GRCh38, 1-based): chr5:251,448, C>A. VCF-style: chr5-251448-C-A. GRCh37 (hg19) VCF-style: chr5-251563-C-A.
Other names: c.1630C>A, p.His544Asn (NM_001294332.2); c.1552-2945C>A (NM_001330758.2); short protein forms H592N, H544N.
Identifiers: ClinVar variation 647219 (VCV000647219.12), dbSNP rs1579439269, ClinGen allele CA359000379.